The following is an entry in ClinVar:

ClinVar aggregate classification (germline): Uncertain significance (1 of 4 stars; one submission).

Conditions:
Inborn genetic diseases. Identifiers: MedGen C0950123, MeSH D030342.

Submission:

Ambry Genetics
Classification: Uncertain significance for Inborn genetic diseases. Last evaluated: 2026-09-04. Review status: criteria provided, single submitter. Criteria: Ambry Variant Classification Scheme 2023. Collection method: clinical testing. Allele origin: germline.
Comment: The p.P377A variant (also known as c.1129C>G), located in coding exon 5 of the PIK3CA gene, results from a C to G substitution at nucleotide position 1129. The proline at codon 377 is replaced by alanine, an amino acid with highly similar properties. This amino acid position is conserved. In addition, the in silico prediction for this alteration is inconclusive. Based on the available evidence, the clinical significance of this variant remains unclear.

NM_006218.4(PIK3CA):c.1129C>G (p.Pro377Ala)

Gene: PIK3CA (phosphatidylinositol-4,5-bisphosphate 3-kinase catalytic subunit alpha; plus strand). Cytogenetic location: 3q26.32.
Variant type: single nucleotide variant.
Coding change: c.1129C>G on transcript NM_006218.4 (MANE Select); coding-DNA position 1129, C replaced by G.
Protein change: p.Pro377Ala; replaces proline 377 with alanine.
Molecular consequence: missense variant.
Genome position (GRCh38, 1-based): chr3:179,204,572, C>G. VCF-style: chr3-179204572-C-G. GRCh37 (hg19) VCF-style: chr3-178922360-C-G.
Other names: short protein forms P377A.
Identifiers: ClinVar variation 5026711 (VCV005026711.1).